The following is an entry in ClinVar:

NM_001197104.2(KMT2A):c.10756A>G (p.Thr3586Ala)

Gene: KMT2A (lysine methyltransferase 2A; plus strand). Cytogenetic location: 11q23.3.
Variant type: single nucleotide variant.
Coding change: c.10756A>G on transcript NM_001197104.2 (MANE Select); coding-DNA position 10756, A replaced by G.
Protein change: p.Thr3586Ala; replaces threonine 3586 with alanine.
Molecular consequence: missense variant.
Genome position (GRCh38, 1-based): chr11:118,507,530, A>G. VCF-style: chr11-118507530-A-G. GRCh37 (hg19) VCF-style: chr11-118378245-A-G.
Other names: c.10846A>G, p.Thr3616Ala (NM_001412597.1); c.10747A>G, p.Thr3583Ala (NM_005933.4); short protein forms T3586A, T3616A, T3583A.
Identifiers: ClinVar variation 4715173 (VCV004715173.1).

ClinVar aggregate classification (germline): Uncertain significance (1 of 4 stars; one submission).

Submission:

Labcorp Genetics (formerly Invitae), Labcorp
Classification: Uncertain significance. Last evaluated: 2025-03-16. Review status: criteria provided, single submitter. Criteria: Invitae Variant Classification Sherloc (09022015). Collection method: clinical testing. Allele origin: germline.
Comment: This sequence change replaces threonine, which is neutral and polar, with alanine, which is neutral and non-polar, at codon 3586 of the KMT2A protein (p.Thr3586Ala). This variant is not present in population databases (gnomAD no frequency). This variant has not been reported in the literature in individuals affected with KMT2A-related conditions. An algorithm developed to predict the effect of missense changes on protein structure and function outputs the following: PolyPhen-2: "Benign". The alanine amino acid residue is found in multiple mammalian species, which suggests that this missense change does not adversely affect protein function. In summary, the available evidence is currently insufficient to determine the role of this variant in disease. Therefore, it has been classified as a Variant of Uncertain Significance.